The following is an entry in ClinVar:

ClinVar aggregate classification (germline): Uncertain significance. Review status: criteria provided, multiple submitters, no conflicts (2 of 4 stars). 4 submissions from 4 submitters: Uncertain significance (3). 1 of the submissions does not count toward it. Last evaluated 2023-12-28.

Conditions:
Microcephaly 3, primary, autosomal recessive. Identifiers: Orphanet 2512, MedGen C1858108, MONDO:0011488, OMIM 604804.
CDK5RAP2-related disorder. Also called: CDK5RAP2-related condition.
Inborn genetic diseases. Identifiers: MedGen C0950123, MeSH D030342.

Allele frequency attached by ClinVar (database versions not stated): gnomAD exomes 0.00001; gnomAD 0.00005 and 0.00006; ExAC 0.00007; TOPMed 0.00011.
gnomAD v4.1: 30 of 1,593,606 alleles (0.0019%); highest among the groups gnomAD compares: African/African-American, 0.028%; no homozygotes.

Submissions (4):

Ambry Genetics
Classification: Uncertain significance for Inborn genetic diseases. Last evaluated: 2023-12-28. Review status: criteria provided, single submitter. Criteria: Ambry Variant Classification Scheme 2023. Collection method: clinical testing. Allele origin: germline.

Genetic Services Laboratory, University of Chicago
Classification: Uncertain significance for Microcephaly 3, primary, autosomal recessive. Last evaluated: 2014-01-27. Review status: criteria provided, single submitter. Criteria: ACMG Guidelines, 2007. Collection method: clinical testing. Allele origin: germline. Inheritance: Autosomal recessive inheritance.

Breakthrough Genomics
Classification: Uncertain significance. Review status: criteria provided, single submitter. Criteria: ACMG Guidelines, 2015. Collection method: not provided. Allele origin: germline. Inheritance: Autosomal recessive inheritance. Affected: yes.

PreventionGenetics, part of Exact Sciences
Classification: Uncertain significance for CDK5RAP2-related condition. Last evaluated: 2024-09-02. Review status: no assertion criteria provided. Collection method: clinical testing. Allele origin: germline. Not counted in ClinVar's aggregate classification.
Comment: The CDK5RAP2 c.4425G>T variant is predicted to result in the amino acid substitution p.Lys1475Asn. To our knowledge, this variant has not been reported in the literature. This variant is reported in 0.018% of alleles in individuals of African descent in gnomAD. At this time, the clinical significance of this variant is uncertain due to the absence of conclusive functional and genetic evidence.

NM_018249.6(CDK5RAP2):c.4425G>T (p.Lys1475Asn)

Gene: CDK5RAP2 (CDK5 regulatory subunit associated protein 2; minus strand). Cytogenetic location: 9q33.2.
Variant type: single nucleotide variant.
Coding change: c.4425G>T on transcript NM_018249.6 (MANE Select); coding-DNA position 4425, G replaced by T.
Protein change: p.Lys1475Asn; replaces lysine 1475 with asparagine.
Molecular consequence: missense variant. On other transcripts: non-coding transcript variant (5).
Genome position (GRCh38, 1-based): chr9:120,409,306, C>A on the plus strand (G>T on the coding strand, the complement: CDK5RAP2 is on the minus strand). VCF-style: chr9-120409306-C-A. GRCh37 (hg19) VCF-style: chr9-123171584-C-A.
Other names: c.4425G>T (NM_018249.5); c.4425G>T, p.Lys1475Asn (NM_001011649.3); c.3735G>T, p.Lys1245Asn (NM_001272039.2); short protein forms K1475N, K1245N.
Identifiers: ClinVar variation 158151 (VCV000158151.9), dbSNP rs587783389, ClinGen allele CA271222.